The following is an entry in ClinVar:

NC_000006.12:g.46080182C>G

Gene: CLIC5 (CLIC family member 5; minus strand). Cytogenetic location: 6p21.1.
Variant type: single nucleotide variant.
Molecular consequence: missense variant (on NM_001114086.2). On other transcripts: intron variant (1).
Genome position: GRCh38 VCF-style: chr6-46080182-C-G. GRCh37 (hg19) VCF-style: chr6-46047919-C-G.
Other names: c.61G>C, p.Val21Leu (NM_001114086.2, NM_001370650.1); c.-55+49322G>C (NM_001370649.1); short protein forms V21L.
Identifiers: ClinVar variation 4720189 (VCV004720189.1).

ClinVar aggregate classification (germline): Uncertain significance (1 of 4 stars; one submission).

gnomAD v4.1: 22 of 1,551,646 alleles (0.0014%); highest among the groups gnomAD compares: South Asian, 0.023%; no homozygotes.

Submission:

Labcorp Genetics (formerly Invitae), Labcorp
Classification: Uncertain significance. Last evaluated: 2025-07-22. Review status: criteria provided, single submitter. Criteria: Invitae Variant Classification Sherloc (09022015). Collection method: clinical testing. Allele origin: germline.
Comment: This sequence change replaces valine, which is neutral and non-polar, with leucine, which is neutral and non-polar, at codon 21 of the CLIC5 protein (p.Val21Leu). This variant is present in population databases (rs532179003, gnomAD 0.03%). This variant has not been reported in the literature in individuals affected with CLIC5-related conditions. An algorithm developed to predict the effect of missense changes on protein structure and function outputs the following: PolyPhen-2: "Benign". The leucine amino acid residue is found in multiple mammalian species, which suggests that this missense change does not adversely affect protein function. In summary, the available evidence is currently insufficient to determine the role of this variant in disease. Therefore, it has been classified as a Variant of Uncertain Significance.